The following is an entry in ClinVar:

NM_001853.4(COL9A3):c.400G>A (p.Gly134Arg)

Gene: COL9A3 (collagen type IX alpha 3 chain; plus strand). Cytogenetic location: 20q13.33.
Variant type: single nucleotide variant.
Coding change: c.400G>A on transcript NM_001853.4 (MANE Select); coding-DNA position 400, G replaced by A.
Protein change: p.Gly134Arg; replaces glycine 134 with arginine.
Molecular consequence: missense variant.
Genome position (GRCh38, 1-based): chr20:62,821,787, G>A. VCF-style: chr20-62821787-G-A. GRCh37 (hg19) VCF-style: chr20-61453139-G-A.
Other names: short protein forms G134R.
Identifiers: ClinVar variation 4773285 (VCV004773285.1).

ClinVar aggregate classification (germline): Uncertain significance (1 of 4 stars; one submission).

gnomAD v4.1: 2 of 1,610,026 alleles (0.00012%); highest among the groups gnomAD compares: Non-Finnish European, 0.000085%; no homozygotes.

Submission:

Labcorp Genetics (formerly Invitae), Labcorp
Classification: Uncertain significance. Last evaluated: 2025-04-15. Review status: criteria provided, single submitter. Criteria: Invitae Variant Classification Sherloc (09022015). Collection method: clinical testing. Allele origin: germline.
Comment: This sequence change replaces glycine, which is neutral and non-polar, with arginine, which is basic and polar, at codon 134 of the COL9A3 protein (p.Gly134Arg). This variant is not present in population databases (gnomAD no frequency). This variant has not been reported in the literature in individuals affected with COL9A3-related conditions. Invitae Evidence Modeling of protein sequence and biophysical properties (such as structural, functional, and spatial information, amino acid conservation, physicochemical variation, residue mobility, and thermodynamic stability) indicates that this missense variant is not expected to disrupt COL9A3 protein function with a negative predictive value of 95%. Algorithms developed to predict the effect of sequence changes on RNA splicing suggest that this variant may disrupt the consensus splice site. In summary, the available evidence is currently insufficient to determine the role of this variant in disease. Therefore, it has been classified as a Variant of Uncertain Significance.